The following is an entry in ClinVar:

NM_005154.5(USP8):c.2746C>A (p.Gln916Lys)

Genes: USP50 (ubiquitin specific peptidase 50; minus strand), USP8 (ubiquitin specific peptidase 8; plus strand). Cytogenetic location: 15q21.2.
Variant type: single nucleotide variant.
Coding change: c.2746C>A on transcript NM_005154.5 (MANE Select); coding-DNA position 2746, C replaced by A.
Protein change: p.Gln916Lys; replaces glutamine 916 with lysine.
Molecular consequence: missense variant.
Genome position (GRCh38, 1-based): chr15:50,495,935, C>A. VCF-style: chr15-50495935-C-A. GRCh37 (hg19) VCF-style: chr15-50788132-C-A.
Other names: c.2746C>A, p.Gln916Lys (NM_001128610.3); c.2428C>A, p.Gln810Lys (NM_001283049.2); short protein forms Q810K, Q916K.
Identifiers: ClinVar variation 2881763 (VCV002881763.3), dbSNP rs2542000670, ClinGen allele CA392402818.

ClinVar aggregate classification (germline): Uncertain significance (1 of 4 stars; one submission).

Conditions:
Hereditary spastic paraplegia. Also called: Familial spastic paraparesis. Identifiers: Orphanet 685, MedGen C0037773, MONDO:0019064. Disease mechanism: loss of function.

Submission:

Labcorp Genetics (formerly Invitae), Labcorp
Classification: Uncertain significance for Hereditary spastic paraplegia. Last evaluated: 2023-03-13. Review status: criteria provided, single submitter. Criteria: Invitae Variant Classification Sherloc (09022015). Collection method: clinical testing. Allele origin: germline.
Comment: In summary, the available evidence is currently insufficient to determine the role of this variant in disease. Therefore, it has been classified as a Variant of Uncertain Significance. An algorithm developed to predict the effect of missense changes on protein structure and function (PolyPhen-2) suggests that this variant is likely to be tolerated. This variant has not been reported in the literature in individuals affected with USP8-related conditions. This variant is not present in population databases (gnomAD no frequency). This sequence change replaces glutamine, which is neutral and polar, with lysine, which is basic and polar, at codon 916 of the USP8 protein (p.Gln916Lys).